The following is an entry in ClinVar:

NM_001164508.2(NEB):c.8995A>C (p.Ser2999Arg)

Gene: NEB (nebulin; minus strand). Cytogenetic location: 2q23.3.
Variant type: single nucleotide variant.
Coding change: c.8995A>C on transcript NM_001164508.2 (MANE Select); coding-DNA position 8995, A replaced by C.
Protein change: p.Ser2999Arg; replaces serine 2999 with arginine.
Molecular consequence: missense variant. On other transcripts: intron variant (1).
Genome position (GRCh38, 1-based): chr2:151,636,334, T>G on the plus strand (A>C on the coding strand, the complement: NEB is on the minus strand). VCF-style: chr2-151636334-T-G. GRCh37 (hg19) VCF-style: chr2-152492848-T-G.
Other names: c.8995A>C, p.Ser2999Arg (NM_001271208.2, NM_001164507.2); c.8853+3559A>C (NM_004543.5); short protein forms S2999R.
Identifiers: ClinVar variation 3702719 (VCV003702719.2).
Genomic context (GRCh38, chr2:151,636,334, plus strand): 5'-CGTCGCTTCGCAAGTCATAGCCTTTCTTCTTTGCTTCTTCATTAGCAAGTTTGTACAGAC[T>G]CTAAATTTGGGGGAAAAAAAATCAGATGCTGACATTTATATCTAAAAACTGACAGAGGAC-3'
Protein context (NP_001157980.2, residues 2989-3009): ARMNKINYSE[Ser2999Arg]LYKLANEEAK

ClinVar aggregate classification (germline): Uncertain significance (1 of 4 stars; one submission).

Conditions:
Nemaline myopathy 2 (NEM2). Also called: Nemaline myopathy 2, autosomal recessive. Identifiers: MedGen C1850569, MONDO:0009725, OMIM 256030.

gnomAD v4.1: 1 of 1,601,626 alleles (0.000062%); highest among the groups gnomAD compares: Non-Finnish European, 0.000085%; no homozygotes.

Submission:

Labcorp Genetics (formerly Invitae), Labcorp
Classification: Uncertain significance for Nemaline myopathy 2. Last evaluated: 2024-03-22. Review status: criteria provided, single submitter. Criteria: Invitae Variant Classification Sherloc (09022015). Collection method: clinical testing. Allele origin: germline.
Comment: This sequence change replaces serine, which is neutral and polar, with arginine, which is basic and polar, at codon 2999 of the NEB protein (p.Ser2999Arg). This variant is present in population databases (no rsID available, gnomAD 0.0009%). This variant has not been reported in the literature in individuals affected with NEB-related conditions. Experimental studies and prediction algorithms are not available or were not evaluated, and the functional significance of this variant is currently unknown. In summary, the available evidence is currently insufficient to determine the role of this variant in disease. Therefore, it has been classified as a Variant of Uncertain Significance.